The following is an entry in ClinVar:

ClinVar aggregate classification (germline): Pathogenic (1 of 4 stars; one submission).

Submission:

GeneDx
Classification: Pathogenic. Last evaluated: 2018-03-08. Review status: criteria provided, single submitter. Criteria: GeneDx Variant Classification (06012015). Collection method: clinical testing. Allele origin: germline. Affected: yes.
Comment: The c.1522dupA variant in the JAG1 gene has been reported previously as c.1522-1523insA due to the use of alternative nomenclature as a de novo variant in an individual with Alagille syndrome (Colliton et al., 2001). The c.1522dupA variant causes a frameshift starting with codon Arginine 508, changes this amino acid to a Lysine residue, and creates a premature Stop codon at position 23 of the new reading frame, denoted p.Arg508LysfsX23. This variant is predicted to cause loss of normal protein function either through protein truncation or nonsense-mediated mRNA decay. Furthermore, the c.1522dupA variant is not observed in large population cohorts (Lek et al., 2016). We interpret c.1522dupA as a pathogenic variant.

NM_000214.3(JAG1):c.1522dup (p.Arg508fs)

Gene: JAG1 (jagged canonical Notch ligand 1; minus strand). Cytogenetic location: 20p12.2.
Variant type: Duplication.
Coding change: c.1522dup on transcript NM_000214.3 (MANE Select); coding-DNA position 1522, one base duplicated (A; older notation c.1522dupA).
Protein change: p.Arg508fs; shifts the reading frame from arginine 508.
Molecular consequence: frameshift variant.
Genome position (GRCh38, 1-based): chr20:10,648,596, T duplicated on the plus strand (A on the coding strand, the reverse complement: JAG1 is on the minus strand). VCF-style (leftmost placement, unchanged base first): chr20-10648595-C-CT. GRCh37 (hg19) VCF-style: chr20-10629243-C-CT.
Other names: c.1522dup, p.Arg508fs (LRG_1191t1); short protein forms R508fs.
Identifiers: ClinVar variation 523994 (VCV000523994.2), dbSNP rs1555828640, ClinGen allele CA658799334.
Genomic context (GRCh38, chr20:10,648,595, plus strand): 5'-TTGCCACCACTCACCTGACAGAGGTTTCCAGAGAAACCAGTGGGACACAGACACTGGAAT[C>CT]TGTTGATTTCATTCTGACAGTGACCCCCATTCAAACAGGGGTTGCTGGCACATTCATCGA-3'